The following is an entry in ClinVar:

NM_000260.4(MYO7A):c.3053C>T (p.Thr1018Ile)

Gene: MYO7A (myosin VIIA; plus strand). Cytogenetic location: 11q13.5.
Variant type: single nucleotide variant.
Coding change: c.3053C>T on transcript NM_000260.4 (MANE Select); coding-DNA position 3053, C replaced by T.
Protein change: p.Thr1018Ile; replaces threonine 1018 with isoleucine.
Molecular consequence: missense variant.
Genome position (GRCh38, 1-based): chr11:77,182,099, C>T. VCF-style: chr11-77182099-C-T. GRCh37 (hg19) VCF-style: chr11-76893145-C-T.
Other names: c.3053C>T, p.Thr1018Ile (NM_001127180.2); c.3020C>T, p.Thr1007Ile (NM_001369365.1); short protein forms T1018I, T1007I.
Identifiers: ClinVar variation 2969424 (VCV002969424.3), dbSNP rs782788623, ClinGen allele CA224841764.

ClinVar aggregate classification (germline): Uncertain significance (1 of 4 stars; one submission).

Allele frequency attached by ClinVar (database versions not stated): ExAC 0.00001.
gnomAD v4.1: 2 of 1,613,430 alleles (0.00012%); highest among the groups gnomAD compares: Non-Finnish European, 0.00017%; no homozygotes.

Submission:

Labcorp Genetics (formerly Invitae), Labcorp
Classification: Uncertain significance. Last evaluated: 2023-07-07. Review status: criteria provided, single submitter. Criteria: Invitae Variant Classification Sherloc (09022015). Collection method: clinical testing. Allele origin: germline.
Comment: This sequence change replaces threonine, which is neutral and polar, with isoleucine, which is neutral and non-polar, at codon 1018 of the MYO7A protein (p.Thr1018Ile). This variant is present in population databases (rs782788623, gnomAD 0.0009%). In summary, the available evidence is currently insufficient to determine the role of this variant in disease. Therefore, it has been classified as a Variant of Uncertain Significance. Advanced modeling of protein sequence and biophysical properties (such as structural, functional, and spatial information, amino acid conservation, physicochemical variation, residue mobility, and thermodynamic stability) performed at Invitae indicates that this missense variant is not expected to disrupt MYO7A protein function. This variant has not been reported in the literature in individuals affected with MYO7A-related conditions.